The following is an entry in ClinVar:

ClinVar aggregate classification (germline): Conflicting classifications of pathogenicity. Review status: criteria provided, conflicting classifications (1 of 4 stars). 5 submissions from 5 submitters: Uncertain significance (4); Likely benign (1). Last evaluated 2025-08-26.

Conditions:
Familial cancer of breast. Also called: hereditary breast carcinoma; BREAST CANCER, FAMILIAL; Hereditary breast cancer. Identifiers: Orphanet 227535, MedGen C0346153, MONDO:0016419, OMIM 114480. Disease mechanism: loss of function.
Hereditary cancer-predisposing syndrome. Also called: Neoplastic Syndromes, Hereditary; Hereditary neoplastic syndrome; Tumor predisposition; Hereditary Cancer Syndrome. Identifiers: Orphanet 140162, MedGen C0027672, MeSH D009386, MONDO:0015356.
Ataxia-telangiectasia syndrome (AT). Also called: Ataxia-telangiectasia, complementation group D; AT, COMPLEMENTATION GROUP C; Ataxia telangiectasia (A-T); Cerebello-oculocutaneous telangiectasia; Immunodeficiency with ataxia telangiectasia; Ataxia-telangiectasia. Identifiers: Orphanet 100, MedGen C0004135, MONDO:0008840, OMIM 208900.

Submissions (5):

Ambry Genetics
Classification: Likely benign for Hereditary cancer-predisposing syndrome. Last evaluated: 2025-08-26. Review status: criteria provided, single submitter. Criteria: Ambry Variant Classification Scheme 2023. Collection method: clinical testing. Allele origin: germline.

Quest Diagnostics Nichols Institute San Juan Capistrano
Classification: Uncertain significance. Last evaluated: 2024-05-13. Review status: criteria provided, single submitter. Criteria: Quest Diagnostics criteria. Collection method: clinical testing. Allele origin: unknown.

Labcorp Genetics (formerly Invitae), Labcorp
Classification: Uncertain significance for Ataxia-telangiectasia syndrome. Last evaluated: 2024-04-12. Review status: criteria provided, single submitter. Criteria: Invitae Variant Classification Sherloc (09022015). Collection method: clinical testing. Allele origin: germline.
Comment: This sequence change replaces histidine, which is basic and polar, with tyrosine, which is neutral and polar, at codon 1384 of the ATM protein (p.His1384Tyr). This variant is not present in population databases (gnomAD no frequency). This variant has not been reported in the literature in individuals affected with ATM-related conditions. ClinVar contains an entry for this variant (Variation ID: 843958). An algorithm developed to predict the effect of missense changes on protein structure and function (PolyPhen-2) suggests that this variant is likely to be tolerated. In summary, the available evidence is currently insufficient to determine the role of this variant in disease. Therefore, it has been classified as a Variant of Uncertain Significance.

GeneDx
Classification: Uncertain significance. Last evaluated: 2024-02-26. Review status: criteria provided, single submitter. Criteria: GeneDx Variant Classification Process June 2021. Collection method: clinical testing. Allele origin: germline. Affected: yes.
Comment: Not observed at significant frequency in large population cohorts (gnomAD); In silico analysis supports that this missense variant does not alter protein structure/function; Has not been previously published as pathogenic or benign to our knowledge

Baylor Genetics
Classification: Uncertain significance for Familial cancer of breast. Last evaluated: 2023-09-14. Review status: criteria provided, single submitter. Criteria: ACMG Guidelines, 2015. Collection method: clinical testing. Allele origin: unknown.

NM_000051.4(ATM):c.4150C>T (p.His1384Tyr)

Gene: ATM (ATM serine/threonine kinase; plus strand). Cytogenetic location: 11q22.3.
Variant type: single nucleotide variant.
Coding change: c.4150C>T on transcript NM_000051.4 (MANE Select); coding-DNA position 4150, C replaced by T.
Protein change: p.His1384Tyr; replaces histidine 1384 with tyrosine.
Molecular consequence: missense variant.
Genome position (GRCh38, 1-based): chr11:108,289,017, C>T. VCF-style: chr11-108289017-C-T. GRCh37 (hg19) VCF-style: chr11-108159744-C-T.
Other names: c.4150C>T, p.His1384Tyr (NM_001351834.2); short protein forms H1384Y.
Identifiers: ClinVar variation 843958 (VCV000843958.17), dbSNP rs876660576, ClinGen allele CA382529988.